The following is an entry in ClinVar:

ClinVar aggregate classification (germline): Likely benign. Review status: criteria provided, multiple submitters, no conflicts (2 of 4 stars). 2 submissions from 2 submitters: Likely benign (2). Last evaluated 2024-02-05.

Allele frequency attached by ClinVar (database versions not stated): ExAC 0.00001; gnomAD 0.00001; TOPMed 0.00001.
gnomAD v4.1: 19 of 1,613,718 alleles (0.0012%); highest among the groups gnomAD compares: South Asian, 0.0033%; no homozygotes.

Submissions (2):

Labcorp Genetics (formerly Invitae), Labcorp
Classification: Likely benign. Last evaluated: 2024-02-05. Review status: criteria provided, single submitter. Criteria: Invitae Variant Classification Sherloc (09022015). Collection method: clinical testing. Allele origin: germline.

Laboratory for Molecular Medicine, Mass General Brigham Personalized Medicine
Classification: Likely benign. Last evaluated: 2012-01-16. Review status: criteria provided, single submitter. Criteria: LMM Criteria. Collection method: clinical testing. Allele origin: germline. Observed: 2 variant alleles.
Comment: The 5103+7C>T variant in intron 40 of OTOF: This variant is not expected to have clinical significance because it is not located within the splice consensus seq uence.

NM_194248.3(OTOF):c.5103+7C>T

Genes: OTOF (otoferlin; minus strand), LOC112840921 (BRD4-independent group 4 enhancer GRCh37_chr2:26685720-26686919; plus strand). Cytogenetic location: 2p23.3.
Variant type: single nucleotide variant.
Coding change: c.5103+7C>T on transcript NM_194248.3 (MANE Select); 7 bases into the intron after coding-DNA position 5103, C replaced by T.
Molecular consequence: intron variant.
Genome position (GRCh38, 1-based): chr2:26,463,957, G>A on the plus strand (C>T on the coding strand, the complement: OTOF is on the minus strand). VCF-style: chr2-26463957-G-A. GRCh37 (hg19) VCF-style: chr2-26686825-G-A.
Other names: c.5103+7C>T (NM_001287489.2); c.2802+7C>T (NM_194323.3, NM_004802.4); c.3033+7C>T (NM_194322.3).
Identifiers: ClinVar variation 48254 (VCV000048254.8), dbSNP rs397517948, ClinGen allele CA142925.
Genomic context (GRCh38, chr2:26,463,957, plus strand): 5'-TGACTCAGGTTGGGGATCCCTGGTCCCCAATACCCAAGAACCCCAGTCTTGGCCATGCAA[G>A]TGTCACCTGCTCGATGCCCGGCTTGTCGGGGTTGAGCAGCGGCCTCGTCTCCACATGCTC-3'